The following is an entry in ClinVar:

NM_000878.5(IL2RB):c.1315A>G (p.Ser439Gly)

Gene: IL2RB (interleukin 2 receptor subunit beta; minus strand). Cytogenetic location: 22q12.3.
Variant type: single nucleotide variant.
Coding change: c.1315A>G on transcript NM_000878.5 (MANE Select); coding-DNA position 1315, A replaced by G.
Protein change: p.Ser439Gly; replaces serine 439 with glycine.
Molecular consequence: missense variant.
Genome position (GRCh38, 1-based): chr22:37,128,437, T>C on the plus strand (A>G on the coding strand, the complement: IL2RB is on the minus strand). VCF-style: chr22-37128437-T-C. GRCh37 (hg19) VCF-style: chr22-37524477-T-C.
Other names: c.1315A>G, p.Ser439Gly (NM_001346222.1, NM_001346223.2); short protein forms S439G.
Identifiers: ClinVar variation 1915076 (VCV001915076.5), dbSNP rs751144068, ClinGen allele CA10216364.

ClinVar aggregate classification (germline): Conflicting classifications of pathogenicity. Review status: criteria provided, conflicting classifications (1 of 4 stars). 2 submissions from 2 submitters: Uncertain significance (1); Likely benign (1). Last evaluated 2022-06-07.

Allele frequency attached by ClinVar (database versions not stated): gnomAD 0.00001; gnomAD exomes 0.00001; TOPMed 0.00003; ExAC 0.00004.
gnomAD v4.1: 16 of 1,541,308 alleles (0.001%); highest among the groups gnomAD compares: Admixed American, 0.027%; no homozygotes.

Submissions (2):

Labcorp Genetics (formerly Invitae), Labcorp
Classification: Uncertain significance. Last evaluated: 2022-06-07. Review status: criteria provided, single submitter. Criteria: Invitae Variant Classification Sherloc (09022015). Collection method: clinical testing. Allele origin: germline.
Comment: This variant is present in population databases (rs751144068, gnomAD 0.04%). This sequence change replaces serine, which is neutral and polar, with glycine, which is neutral and non-polar, at codon 439 of the IL2RB protein (p.Ser439Gly). This variant has not been reported in the literature in individuals affected with IL2RB-related conditions. In summary, the available evidence is currently insufficient to determine the role of this variant in disease. Therefore, it has been classified as a Variant of Uncertain Significance. Algorithms developed to predict the effect of missense changes on protein structure and function output the following: SIFT: "Tolerated"; PolyPhen-2: "Benign"; Align-GVGD: "Class C0". The glycine amino acid residue is found in multiple mammalian species, which suggests that this missense change does not adversely affect protein function.

Ambry Genetics
Classification: Likely benign. Last evaluated: 2022-04-22. Review status: criteria provided, single submitter. Criteria: Ambry Variant Classification Scheme 2023. Collection method: clinical testing. Allele origin: germline.